The following is an entry in ClinVar:

NM_001177316.2(SLC34A3):c.1025T>C (p.Ile342Thr)

Gene: SLC34A3 (solute carrier family 34 member 3; plus strand). Cytogenetic location: 9q34.3.
Variant type: single nucleotide variant.
Coding change: c.1025T>C on transcript NM_001177316.2 (MANE Select); coding-DNA position 1025, T replaced by C.
Protein change: p.Ile342Thr; replaces isoleucine 342 with threonine.
Molecular consequence: missense variant.
Genome position (GRCh38, 1-based): chr9:137,234,208, T>C. VCF-style: chr9-137234208-T-C. GRCh37 (hg19) VCF-style: chr9-140128660-T-C.
Other names: c.1025T>C, p.Ile342Thr (NM_001177317.2, NM_080877.3); short protein forms I342T.
Identifiers: ClinVar variation 850150 (VCV000850150.7), dbSNP rs370096620, ClinGen allele CA5364728.
Genomic context (GRCh38, chr9:137,234,208, plus strand): 5'-CCGTGGGCTGCATCCTGCTGGCCGGCTCCCTGCTGGTGCTCTGCGGCTGCCTGGTCCTCA[T>C]AGTCAAGCTGCTCAACTCTGTGCTGCGCGGCCGCGTGGCCCAGGTCGTGAGGACAGTCAT-3'
Protein context (NP_001170787.2, residues 332-352): LLVLCGCLVL[Ile342Thr]VKLLNSVLRG

ClinVar aggregate classification (germline): Uncertain significance (1 of 4 stars; one submission).

Allele frequency attached by ClinVar (database versions not stated): TOPMed 0.00003; ESP Exome Variant Server 0.00015.
gnomAD v4.1: 46 of 1,607,952 alleles (0.0029%); highest among the groups gnomAD compares: Non-Finnish European, 0.0037%; no homozygotes.

Submission:

Labcorp Genetics (formerly Invitae), Labcorp
Classification: Uncertain significance. Last evaluated: 2020-08-26. Review status: criteria provided, single submitter. Criteria: Invitae Variant Classification Sherloc (09022015). Collection method: clinical testing. Allele origin: germline.
Comment: This sequence change replaces isoleucine with threonine at codon 342 of the SLC34A3 protein (p.Ile342Thr). The isoleucine residue is highly conserved and there is a moderate physicochemical difference between isoleucine and threonine. In summary, the available evidence is currently insufficient to determine the role of this variant in disease. Therefore, it has been classified as a Variant of Uncertain Significance. Algorithms developed to predict the effect of missense changes on protein structure and function are either unavailable or do not agree on the potential impact of this missense change (SIFT: "Deleterious"; PolyPhen-2: "Probably Damaging"; Align-GVGD: "Class C0"). This variant has not been reported in the literature in individuals with SLC34A3-related conditions. This variant is present in population databases (rs370096620, ExAC 0.004%).